The following is an entry in ClinVar:

ClinVar aggregate classification (germline): Pathogenic. Review status: criteria provided, single submitter (1 of 4 stars). 2 submissions from 2 submitters: Pathogenic (1). 1 of the submissions does not count toward it. Last evaluated 2025-10-26.

Conditions:
Ehlers-Danlos syndrome, type 4 (EDSVASC). Also called: Ehlers-Danlos syndrome vascular type; Ehlers Danlos syndrome, ecchymotic type; Ehlers Danlos syndrome, arterial type; Ehlers Danlos syndrome, Sack-Barabas type; Ehlers-Danlos Syndrome Type IV. Identifiers: Orphanet 286, MedGen C0268338, MONDO:0017314, OMIM 130050.

Submissions (2):

Labcorp Genetics (formerly Invitae), Labcorp
Classification: Pathogenic for Ehlers-Danlos syndrome, type 4. Last evaluated: 2025-10-26. Review status: criteria provided, single submitter. Criteria: Invitae Variant Classification Sherloc (09022015). Collection method: clinical testing. Allele origin: germline.
Comment: This sequence change replaces glycine, which is neutral and non-polar, with arginine, which is basic and polar, at codon 195 of the COL3A1 protein (p.Gly195Arg). This variant is not present in population databases (gnomAD no frequency). This missense change has been observed in individual(s) with clinical features of vascular Ehlers-Danlos syndrome (PMID: 24922459, 31600821). ClinVar contains an entry for this variant (Variation ID: 101392). Experimental studies and prediction algorithms are not available or were not evaluated, and the functional significance of this variant is currently unknown. This variant disrupts the triple helix domain of COL3A1. Glycine residues within the Gly-Xaa-Yaa repeats of the triple helix domain are required for the structure and stability of fibrillar collagens (PMID: 7695699, 8218237, 19344236). In COL3A1, variants that affect these glycine residues are significantly enriched in individuals with disease (PMID: 24922459, 25758994) compared to the general population (ExAC). For these reasons, this variant has been classified as Pathogenic.

Collagen Diagnostic Laboratory, University of Washington
Classification: Pathogenic for Ehlers-Danlos syndrome, type 4. Review status: no assertion criteria provided. Collection method: clinical testing. Allele origin: germline. Affected: yes. Not counted in ClinVar's aggregate classification.

Literature cited by the submitters: PubMed 24922459 (cited by Labcorp Genetics (formerly Invitae), Labcorp); PubMed 31600821 (cited by Labcorp Genetics (formerly Invitae), Labcorp); PubMed 7695699 (cited by Labcorp Genetics (formerly Invitae), Labcorp); PubMed 8218237 (cited by Labcorp Genetics (formerly Invitae), Labcorp); PubMed 19344236 (cited by Labcorp Genetics (formerly Invitae), Labcorp); PubMed 25758994 (cited by Labcorp Genetics (formerly Invitae), Labcorp).

NM_000090.4(COL3A1):c.583G>C (p.Gly195Arg)

Gene: COL3A1 (collagen type III alpha 1 chain; plus strand). Cytogenetic location: 2q32.2.
Variant type: single nucleotide variant.
Coding change: c.583G>C on transcript NM_000090.4 (MANE Select); coding-DNA position 583, G replaced by C.
Protein change: p.Gly195Arg; replaces glycine 195 with arginine.
Molecular consequence: missense variant.
Genome position (GRCh38, 1-based): chr2:188,988,590, G>C. VCF-style: chr2-188988590-G-C. GRCh37 (hg19) VCF-style: chr2-189853316-G-C.
Identifiers: ClinVar variation 101392 (VCV000101392.3), dbSNP rs267599120, ClinGen allele CA007089.
Genomic context (GRCh38, chr2:188,988,590, plus strand): 5'-GTAAATGAATTATATGAAGATTTTGTTACTTTAAAATTATTTACATATTCTACTCACTAG[G>C]GATCTCCAGGATACCAAGGACCCCCTGGTGAACCTGGGCAAGCTGGTCCTTCAGTAAGTA-3'
Protein context (NP_000081.2, residues 185-205): PGTSGHPGSP[Gly195Arg]SPGYQGPPGE